The following is an entry in ClinVar:

ClinVar aggregate classification (germline): Pathogenic/Likely pathogenic. Review status: criteria provided, multiple submitters, no conflicts (2 of 4 stars). 3 submissions from 3 submitters: Pathogenic (1); Likely pathogenic (1). 1 of the submissions does not count toward it. Last evaluated 2024-03-06.

Conditions:
Laryngo-onycho-cutaneous syndrome (JEB2C). Also called: LOGIC SYNDROME; SHABBIR SYNDROME; EPIDERMOLYSIS BULLOSA, JUNCTIONAL 2C, LARYNGOONYCHOCUTANEOUS. Identifiers: Orphanet 2407, MedGen C1328355, MONDO:0009513, OMIM 245660.
Epidermolysis bullosa, junctional 2B, severe. Also called: EPIDERMOLYSIS BULLOSA, JUNCTIONAL 2B, GENERALIZED SEVERE; EPIDERMOLYSIS BULLOSA, JUNCTIONAL 2B, HERLITZ TYPE. Identifiers: MedGen C5676937, MONDO:0030747, OMIM 619784.
Epidermolysis bullosa, junctional 2A, intermediate. Also called: EPIDERMOLYSIS BULLOSA, JUNCTIONAL 2A, GENERALIZED INTERMEDIATE; EPIDERMOLYSIS BULLOSA, JUNCTIONAL 2A, NON-HERLITZ TYPE. Identifiers: MedGen C5676936, MONDO:0030746, OMIM 619783.
LAMA3-related disorder. Also called: LAMA3-related disorders; LAMA3-related condition.

Allele frequency attached by ClinVar (database versions not stated): gnomAD exomes below 0.00001; ExAC 0.00001; TOPMed 0.00001; ESP Exome Variant Server 0.00008.
gnomAD v4.1: 7 of 1,614,234 alleles (0.00043%); highest among the groups gnomAD compares: Non-Finnish European, 0.00059%; no homozygotes.

Submissions (3):

Fulgent Genetics
Classification: Likely pathogenic for Laryngo-onycho-cutaneous syndrome; Epidermolysis bullosa, junctional 2A, intermediate; Epidermolysis bullosa, junctional 2B, severe. Last evaluated: 2024-03-06. Review status: criteria provided, single submitter. Criteria: ACMG Guidelines, 2015. Collection method: clinical testing. Allele origin: germline.

Labcorp Genetics (formerly Invitae), Labcorp
Classification: Pathogenic. Last evaluated: 2023-04-22. Review status: criteria provided, single submitter. Criteria: Invitae Variant Classification Sherloc (09022015). Collection method: clinical testing. Allele origin: germline.
Comment: ClinVar contains an entry for this variant (Variation ID: 1958581). For these reasons, this variant has been classified as Pathogenic. Algorithms developed to predict the effect of sequence changes on RNA splicing suggest that this variant may create or strengthen a splice site. This variant has not been reported in the literature in individuals affected with LAMA3-related conditions. This variant is present in population databases (rs367651246, gnomAD 0.0009%). This sequence change creates a premature translational stop signal (p.Gln47*) in the LAMA3 gene. It is expected to result in an absent or disrupted protein product. Loss-of-function variants in LAMA3 are known to be pathogenic (PMID: 10366601, 11810295, 12915477, 16473856, 17362460, 22434185, 23869449, 27827380, 28087116).

PreventionGenetics, part of Exact Sciences
Classification: Likely pathogenic for LAMA3-related condition. Last evaluated: 2024-03-19. Review status: no assertion criteria provided. Collection method: clinical testing. Allele origin: germline. Not counted in ClinVar's aggregate classification.
Comment: The LAMA3 c.139C>T variant is predicted to result in premature protein termination (p.Gln47*). To our knowledge, this variant has not been reported in the literature. This variant is reported in 0.00088% of alleles in individuals of European (Non-Finnish) descent in gnomAD. Nonsense variants in LAMA3 are expected to be pathogenic. This variant is interpreted as likely pathogenic.

Literature cited by the submitters: PubMed 10366601 (cited by Labcorp Genetics (formerly Invitae), Labcorp); PubMed 11810295 (cited by Labcorp Genetics (formerly Invitae), Labcorp); PubMed 12915477 (cited by Labcorp Genetics (formerly Invitae), Labcorp); PubMed 16473856 (cited by Labcorp Genetics (formerly Invitae), Labcorp); PubMed 17362460 (cited by Labcorp Genetics (formerly Invitae), Labcorp); PubMed 22434185 (cited by Labcorp Genetics (formerly Invitae), Labcorp); PubMed 23869449 (cited by Labcorp Genetics (formerly Invitae), Labcorp); PubMed 27827380 (cited by Labcorp Genetics (formerly Invitae), Labcorp); PubMed 28087116 (cited by Labcorp Genetics (formerly Invitae), Labcorp).

NM_000227.6(LAMA3):c.139C>T (p.Gln47Ter)

Genes: LAMA3 (laminin subunit alpha 3; plus strand), LOC126862707 (MED14-independent group 3 enhancer GRCh37_chr18:21452354-21453553; plus strand). Cytogenetic location: 18q11.2.
Variant type: single nucleotide variant.
Coding change: c.139C>T on transcript NM_000227.6 (MANE Plus Clinical); coding-DNA position 139, C replaced by T.
Protein change: p.Gln47Ter; replaces glutamine 47 with a stop codon.
Molecular consequence: nonsense. On other transcripts: intron variant (2).
Genome position (GRCh38, 1-based): chr18:23,873,183, C>T. VCF-style: chr18-23873183-C-T. GRCh37 (hg19) VCF-style: chr18-21453147-C-T.
Other names: c.139C>T, p.Gln47Ter (NM_001127718.4); c.4998+1522C>T (NM_198129.4, NM_001127717.4); c.139C>T (NM_000227.4); short protein forms Q47*.
Identifiers: ClinVar variation 1958581 (VCV001958581.7), dbSNP rs367651246, ClinGen allele CA8915826.